The following is an entry in ClinVar:

NM_020223.4(FAM20C):c.1748C>T (p.Ala583Val)

Gene: FAM20C (FAM20C golgi associated secretory pathway kinase; plus strand). Cytogenetic location: 7p22.3.
Variant type: single nucleotide variant.
Coding change: c.1748C>T on transcript NM_020223.4 (MANE Select); coding-DNA position 1748, C replaced by T.
Protein change: p.Ala583Val; replaces alanine 583 with valine.
Molecular consequence: missense variant.
Genome position (GRCh38, 1-based): chr7:259,973, C>T. VCF-style: chr7-259973-C-T. GRCh37 (hg19) VCF-style: chr7-299939-C-T.
Other names: c.1748C>T (NM_020223.3); short protein forms A583V.
Identifiers: ClinVar variation 1601716 (VCV001601716.11), dbSNP rs557222235, ClinGen allele CA4109233.

ClinVar aggregate classification (germline): Benign/Likely benign. Review status: criteria provided, multiple submitters, no conflicts (2 of 4 stars). 3 submissions from 3 submitters: Benign (1); Likely benign (1). 1 of the submissions does not count toward it. Last evaluated 2026-02-01.

Conditions:
FAM20C-related disorder. Also called: FAM20C-related condition.
Lethal osteosclerotic bone dysplasia (RNS). Also called: Osteomalacia, sclerosing, with cerebral calcification. Identifiers: Orphanet 1832, MedGen C1850106, MONDO:0009821, OMIM 259775.

Allele frequency attached by ClinVar (database versions not stated): gnomAD 0.00024 and 0.00033; TOPMed 0.00047; ExAC 0.00074; 1000 Genomes Project 30x 0.00094; 1000 Genomes Project 0.00120.
gnomAD v4.1: 396 of 1,512,352 alleles (0.026%); highest among the groups gnomAD compares: East Asian, 0.73%; 3 homozygotes.

Submissions (3):

Labcorp Genetics (formerly Invitae), Labcorp
Classification: Benign. Last evaluated: 2026-02-01. Review status: criteria provided, single submitter. Criteria: Invitae Variant Classification Sherloc (09022015). Collection method: clinical testing. Allele origin: germline.

Fulgent Genetics
Classification: Likely benign for Lethal osteosclerotic bone dysplasia. Last evaluated: 2021-10-11. Review status: criteria provided, single submitter. Criteria: ACMG Guidelines, 2015. Collection method: clinical testing. Allele origin: unknown.

PreventionGenetics, part of Exact Sciences
Classification: Likely benign for FAM20C-related condition. Last evaluated: 2021-09-09. Review status: no assertion criteria provided. Collection method: clinical testing. Allele origin: germline. Not counted in ClinVar's aggregate classification.
Comment: This variant is classified as likely benign based on ACMG/AMP sequence variant interpretation guidelines (Richards et al. 2015 PMID: 25741868, with internal and published modifications).